The following is an entry in ClinVar:

NM_001166108.2(PALLD):c.2833T>C (p.Cys945Arg)

Genes: CBR4 (carbonyl reductase 4; minus strand), PALLD (palladin, cytoskeletal associated protein; plus strand). Cytogenetic location: 4q32.3.
Variant type: single nucleotide variant.
Coding change: c.2833T>C on transcript NM_001166108.2 (MANE Select); coding-DNA position 2833, T replaced by C.
Protein change: p.Cys945Arg; replaces cysteine 945 with arginine.
Molecular consequence: missense variant.
Genome position (GRCh38, 1-based): chr4:168,916,010, T>C. VCF-style: chr4-168916010-T-C. GRCh37 (hg19) VCF-style: chr4-169837161-T-C.
Other names: c.1636T>C, p.Cys546Arg (NM_001166109.2); c.1321T>C, p.Cys441Arg (NM_001166110.2); c.661T>C, p.Cys221Arg (NM_001367567.1, NM_001367569.1); c.712T>C, p.Cys238Arg (NM_001367568.1, NM_001367570.1); c.2782T>C, p.Cys928Arg (NM_016081.4); short protein forms C238R, C441R, C221R, C928R, C546R, C945R.
Identifiers: ClinVar variation 3885304 (VCV003885304.1).

ClinVar aggregate classification (germline): Uncertain significance (1 of 4 stars; one submission).

Submission:

Ambry Genetics
Classification: Uncertain significance. Last evaluated: 2025-01-13. Review status: criteria provided, single submitter. Criteria: Ambry Variant Classification Scheme 2023. Collection method: clinical testing. Allele origin: germline.
Comment: The p.C441R variant (also known as c.1321T>C), located in coding exon 7 of the PALLD gene, results from a T to C substitution at nucleotide position 1321. The cysteine at codon 441 is replaced by arginine, an amino acid with highly dissimilar properties. This amino acid position is conserved. In addition, this alteration is predicted to be deleterious by in silico analysis. Based on the available evidence, the clinical significance of this variant remains unclear.